The following is an entry in ClinVar:

NM_004064.5(CDKN1B):c.417C>T (p.Asp139=)

Gene: CDKN1B (cyclin dependent kinase inhibitor 1B; plus strand). Cytogenetic location: 12p13.1.
Variant type: single nucleotide variant.
Coding change: c.417C>T on transcript NM_004064.5 (MANE Select); coding-DNA position 417, C replaced by T.
Protein change: p.Asp139=; no amino-acid change (aspartic acid 139 retained).
Molecular consequence: synonymous variant.
Genome position (GRCh38, 1-based): chr12:12,718,256, C>T. VCF-style: chr12-12718256-C-T. GRCh37 (hg19) VCF-style: chr12-12871190-C-T.
Identifiers: ClinVar variation 485502 (VCV000485502.17), dbSNP rs747272462, ClinGen allele CA6457492.

ClinVar aggregate classification (germline): Conflicting classifications of pathogenicity. Review status: criteria provided, conflicting classifications (1 of 4 stars). 3 submissions from 3 submitters: Uncertain significance (1); Likely benign (2). Last evaluated 2025-12-30.

Conditions:
Hereditary cancer-predisposing syndrome. Also called: Hereditary neoplastic syndrome; Neoplastic Syndromes, Hereditary; Tumor predisposition; Hereditary Cancer Syndrome. Identifiers: Orphanet 140162, MedGen C0027672, MeSH D009386, MONDO:0015356.
Multiple endocrine neoplasia type 4. Also called: MULTIPLE ENDOCRINE NEOPLASIA, TYPE IV. Identifiers: Orphanet 276152, MedGen C1970712, MONDO:0012552, OMIM 610755.

Allele frequency attached by ClinVar (database versions not stated): gnomAD exomes 0.00001; ExAC 0.00003; gnomAD 0.00006 and 0.00007; TOPMed 0.00006.
gnomAD v4.1: 19 of 1,610,468 alleles (0.0012%); highest among the groups gnomAD compares: African/African-American, 0.017%; no homozygotes.

Submissions (3):

Labcorp Genetics (formerly Invitae), Labcorp
Classification: Likely benign for Multiple endocrine neoplasia type 4. Last evaluated: 2025-12-30. Review status: criteria provided, single submitter. Criteria: Invitae Variant Classification Sherloc (09022015). Collection method: clinical testing. Allele origin: germline.

Quest Diagnostics Nichols Institute San Juan Capistrano
Classification: Uncertain significance. Last evaluated: 2025-02-06. Review status: criteria provided, single submitter. Criteria: Quest Diagnostics criteria. Collection method: clinical testing. Allele origin: unknown.
Comment: The CDKN1B c.417C>T (p.Asp139=) synonymous variant has not been reported in individuals with CDKN1B-related conditions in the published literature. The frequency of this variant in the general population (Genome Aggregation Database) is uninformative in the assessment of its pathogenicity. Analysis of this variant using software algorithms for the prediction of the effect of nucleotide changes on splicing yielded predictions that this variant does not affect CDKN1B mRNA splicing. Based on the available information, we are unable to determine the clinical significance of this variant.

Ambry Genetics
Classification: Likely benign for Hereditary cancer-predisposing syndrome. Last evaluated: 2017-06-07. Review status: criteria provided, single submitter. Criteria: Ambry Variant Classification Scheme 2023. Collection method: clinical testing. Allele origin: germline.